The following is an entry in ClinVar:

NM_000334.4(SCN4A):c.4744A>G (p.Ile1582Val)

Genes: GH-LCR (growth hormone locus control region; plus strand), SCN4A (sodium voltage-gated channel alpha subunit 4; minus strand). Cytogenetic location: 17q23.3.
Variant type: single nucleotide variant.
Coding change: c.4744A>G on transcript NM_000334.4 (MANE Select); coding-DNA position 4744, A replaced by G.
Protein change: p.Ile1582Val; replaces isoleucine 1582 with valine.
Molecular consequence: missense variant.
Genome position (GRCh38, 1-based): chr17:63,941,538, T>C on the plus strand (A>G on the coding strand, the complement: SCN4A is on the minus strand). VCF-style: chr17-63941538-T-C. GRCh37 (hg19) VCF-style: chr17-62018898-T-C.
Other names: short protein forms I1582V.
Identifiers: ClinVar variation 2777201 (VCV002777201.3), dbSNP rs1908531869, ClinGen allele CA400615099.
Genomic context (GRCh38, chr17:63,941,538, plus strand): 5'-TGAAGTTCTCCAGGATGATGGCGATGTACATGTTGACCACGATGAGGAAGGAGATGATGA[T>C]ATAGCTGCAGAAGAAGCAGATGCCGATGGAGGGGTTGCCGCAGTCACCCTTGACACTGGT-3'
Protein context (NP_000325.4, residues 1572-1592): SIGICFFCSY[Ile1582Val]IISFLIVVNM

ClinVar aggregate classification (germline): Uncertain significance (1 of 4 stars; one submission).

Conditions:
Hyperkalemic periodic paralysis. Also called: Familial hyperkalemic periodic paralysis; Gamstorp disease. Identifiers: Orphanet 682, MedGen C0238357, MONDO:0008224, OMIM 170500, HP:0007215.

Allele frequency attached by ClinVar (database versions not stated): TOPMed below 0.00001; gnomAD 0.00001.
gnomAD v4.1: 1 of 1,613,852 alleles (0.000062%); highest among the groups gnomAD compares: Non-Finnish European, 0.000085%; no homozygotes.

Submission:

Labcorp Genetics (formerly Invitae), Labcorp
Classification: Uncertain significance for Hyperkalemic periodic paralysis. Last evaluated: 2023-05-05. Review status: criteria provided, single submitter. Criteria: Invitae Variant Classification Sherloc (09022015). Collection method: clinical testing. Allele origin: germline.
Comment: In summary, the available evidence is currently insufficient to determine the role of this variant in disease. Therefore, it has been classified as a Variant of Uncertain Significance. Advanced modeling of protein sequence and biophysical properties (such as structural, functional, and spatial information, amino acid conservation, physicochemical variation, residue mobility, and thermodynamic stability) has been performed at Invitae for this missense variant, however the output from this modeling did not meet the statistical confidence thresholds required to predict the impact of this variant on SCN4A protein function. This variant has not been reported in the literature in individuals affected with SCN4A-related conditions. This variant is not present in population databases (gnomAD no frequency). This sequence change replaces isoleucine, which is neutral and non-polar, with valine, which is neutral and non-polar, at codon 1582 of the SCN4A protein (p.Ile1582Val).